The following is an entry in ClinVar:

NM_001366385.1(CARD14):c.2448T>A (p.Tyr816Ter)

Genes: SGSH (N-sulfoglucosamine sulfohydrolase; minus strand), CARD14 (caspase recruitment domain family member 14; plus strand), LOC126862662 (MED14-independent group 3 enhancer GRCh37_chr17:78178385-78179584; plus strand). Cytogenetic location: 17q25.3.
Variant type: single nucleotide variant.
Coding change: c.2448T>A on transcript NM_001366385.1 (MANE Select); coding-DNA position 2448, T replaced by A.
Protein change: p.Tyr816Ter; replaces tyrosine 816 with a stop codon.
Molecular consequence: nonsense. On other transcripts: non-coding transcript variant (1).
Genome position (GRCh38, 1-based): chr17:80,205,084, T>A. VCF-style: chr17-80205084-T-A. GRCh37 (hg19) VCF-style: chr17-78178883-T-A.
Other names: c.2448T>A, p.Tyr816Ter (NM_024110.4); short protein forms Y816*.
Identifiers: ClinVar variation 2947587 (VCV002947587.3), dbSNP rs1336260584, ClinGen allele CA401355955.

ClinVar aggregate classification (germline): Uncertain significance (1 of 4 stars; one submission).

Conditions:
Pityriasis rubra pilaris (PRP). Also called: Pityriasis rubra pilaris--familial type. Identifiers: Orphanet 2897, MedGen C0032027, MONDO:0100017, OMIM 173200, MONDO:0008251.
Psoriasis 2. Identifiers: MedGen C1864497, MONDO:0011269, OMIM 602723.

Allele frequency attached by ClinVar (database versions not stated): gnomAD exomes below 0.00001.
gnomAD v4.1: 2 of 1,612,816 alleles (0.00012%); highest among the groups gnomAD compares: South Asian, 0.0022%; no homozygotes.

Submission:

Labcorp Genetics (formerly Invitae), Labcorp
Classification: Uncertain significance for Pityriasis rubra pilaris; Psoriasis 2. Last evaluated: 2023-05-11. Review status: criteria provided, single submitter. Criteria: Invitae Variant Classification Sherloc (09022015). Collection method: clinical testing. Allele origin: germline.
Comment: This variant is not present in population databases (gnomAD no frequency). In summary, the available evidence is currently insufficient to determine the role of this variant in disease. Therefore, it has been classified as a Variant of Uncertain Significance. This variant has not been reported in the literature in individuals affected with CARD14-related conditions. This sequence change creates a premature translational stop signal (p.Tyr816*) in the CARD14 gene. It is expected to result in an absent or disrupted protein product. However, the current clinical and genetic evidence is not sufficient to establish whether loss-of-function variants in CARD14 cause disease.